The following is an entry in ClinVar:

ClinVar aggregate classification (germline): Uncertain significance. Review status: criteria provided, single submitter (1 of 4 stars). 2 submissions from 2 submitters: Uncertain significance (1). 1 of the submissions does not count toward it. Last evaluated 2024-09-12.

Conditions:
Cardiovascular phenotype. Identifiers: MedGen CN230736.
Becker muscular dystrophy, Cardiomyopathy, Duchenne muscular dystrophy, Dystrophin deficiency.

Submissions (2):

Ambry Genetics
Classification: Uncertain significance for Cardiovascular phenotype. Last evaluated: 2024-09-12. Review status: criteria provided, single submitter. Criteria: Ambry Variant Classification Scheme 2023. Collection method: clinical testing. Allele origin: germline.
Comment: The p.H1420Q variant (also known as c.4260T>G), located in coding exon 31 of the DMD gene, results from a T to G substitution at nucleotide position 4260. The histidine at codon 1420 is replaced by glutamine, an amino acid with highly similar properties. This amino acid position is highly conserved in available vertebrate species. In addition, this alteration is predicted to be tolerated by in silico analysis. Based on the available evidence, the clinical significance of this variant remains unclear.

Natera, Inc.
Classification: Uncertain significance for Becker muscular dystrophy, Cardiomyopathy, Duchenne muscular dystrophy, Dystrophin deficiency. Last evaluated: 2025-04-02. Review status: no assertion criteria provided. Collection method: clinical testing. Allele origin: germline. Not counted in ClinVar's aggregate classification.

NM_004006.3(DMD):c.4260T>G (p.His1420Gln)

Gene: DMD (dystrophin; minus strand). Cytogenetic location: Xp21.1.
Variant type: single nucleotide variant.
Coding change: c.4260T>G on transcript NM_004006.3 (MANE Select); coding-DNA position 4260, T replaced by G.
Protein change: p.His1420Gln; replaces histidine 1420 with glutamine.
Molecular consequence: missense variant.
Genome position (GRCh38, 1-based): chrX:32,390,155, A>C on the plus strand (T>G on the coding strand, the complement: DMD is on the minus strand). VCF-style: chrX-32390155-A-C. GRCh37 (hg19) VCF-style: chrX-32408272-A-C.
Other names: c.4236T>G, p.His1412Gln (NM_000109.4); c.4248T>G, p.His1416Gln (NM_004009.3); c.3891T>G, p.His1297Gln (NM_004010.3); c.237T>G, p.His79Gln (NM_004011.4); c.228T>G, p.His76Gln (NM_004012.4); short protein forms H1297Q, H1416Q, H1420Q, H76Q, H79Q, H1412Q.
Identifiers: ClinVar variation 3502584 (VCV003502584.2).